The following is an entry in ClinVar:

NM_004104.5(FASN):c.4584G>A (p.Thr1528=)

Gene: FASN (fatty acid synthase; minus strand). Cytogenetic location: 17q25.3.
Variant type: single nucleotide variant.
Coding change: c.4584G>A on transcript NM_004104.5 (MANE Select); coding-DNA position 4584, G replaced by A.
Protein change: p.Thr1528=; no amino-acid change (threonine 1528 retained).
Molecular consequence: synonymous variant.
Genome position (GRCh38, 1-based): chr17:82,084,697, C>T on the plus strand (G>A on the coding strand, the complement: FASN is on the minus strand). VCF-style: chr17-82084697-C-T. GRCh37 (hg19) VCF-style: chr17-80042573-C-T.
Other names: c.4584G>A (NM_004104.4).
Identifiers: ClinVar variation 1143301 (VCV001143301.11), dbSNP rs143391566, ClinGen allele CA8852002.

ClinVar aggregate classification (germline): Likely benign. Review status: criteria provided, single submitter (1 of 4 stars). 2 submissions from 2 submitters: Likely benign (1). 1 of the submissions does not count toward it. Last evaluated 2025-09-02.

Conditions:
Epileptic encephalopathy. Identifiers: MedGen C0543888, HP:0200134.
FASN-related disorder. Also called: FASN-related condition.

Allele frequency attached by ClinVar (database versions not stated): gnomAD exomes 0.00004; ESP Exome Variant Server 0.00008; 1000 Genomes Project 0.00020; 1000 Genomes Project 30x 0.00031.
gnomAD v4.1: 59 of 1,569,848 alleles (0.0038%); highest among the groups gnomAD compares: East Asian, 0.021%; 2 homozygotes.

Submissions (2):

Labcorp Genetics (formerly Invitae), Labcorp
Classification: Likely benign for Epileptic encephalopathy. Last evaluated: 2025-09-02. Review status: criteria provided, single submitter. Criteria: Invitae Variant Classification Sherloc (09022015). Collection method: clinical testing. Allele origin: germline.

PreventionGenetics, part of Exact Sciences
Classification: Likely benign for FASN-related condition. Last evaluated: 2019-07-16. Review status: no assertion criteria provided. Collection method: clinical testing. Allele origin: germline. Not counted in ClinVar's aggregate classification.
Comment: This variant is classified as likely benign based on ACMG/AMP sequence variant interpretation guidelines (Richards et al. 2015 PMID: 25741868, with internal and published modifications).